The following is an entry in ClinVar:

ClinVar aggregate classification (germline): Pathogenic (1 of 4 stars; one submission).

Conditions:
Hereditary diffuse gastric adenocarcinoma (HDGC). Also called: DIFFUSE GASTRIC AND LOBULAR BREAST CANCER SYNDROME. Identifiers: Orphanet 26106, MedGen C1708349, MONDO:0007648, OMIM 137215.

Submission:

Labcorp Genetics (formerly Invitae), Labcorp
Classification: Pathogenic for Hereditary diffuse gastric adenocarcinoma. Last evaluated: 2019-09-10. Review status: criteria provided, single submitter. Criteria: Invitae Variant Classification Sherloc (09022015). Collection method: clinical testing. Allele origin: germline.
Comment: For these reasons, this variant has been classified as Pathogenic. Loss-of-function variants in CDH1 are known to be pathogenic (PMID: 15235021, 20373070). This variant has not been reported in the literature in individuals with CDH1-related conditions. This sequence change creates a premature translational stop signal (p.Ser19Profs*38) in the CDH1 gene. It is expected to result in an absent or disrupted protein product. This variant is not present in population databases (ExAC no frequency).

Literature cited by the submitters: PubMed 15235021; PubMed 20373070.

NM_004360.5(CDH1):c.52_53dup (p.Ser19fs)

Gene: CDH1 (cadherin 1; plus strand). Cytogenetic location: 16q22.1.
Variant type: Microsatellite.
Coding change: c.52_53dup on transcript NM_004360.5 (MANE Select); coding-DNA positions 52 to 53, 2 bases duplicated (TC; older notation c.52_53dupTC).
Protein change: p.Ser19fs; shifts the reading frame from serine 19.
Molecular consequence: frameshift variant. On other transcripts: 5 prime UTR variant (2).
Genome position (GRCh38, 1-based): chr16:68,738,300-68,738,301, TC duplicated; duplicating any 2 consecutive bases within chr16:68,738,298-68,738,301 gives the same sequence; the c. name uses the placement nearest the transcript's 3' end. VCF-style (leftmost placement, unchanged base first): chr16-68738297-G-GTC. GRCh37 (hg19) VCF-style: chr16-68772200-G-GTC.
Other names: c.52_53dup, p.Ser19fs (NM_001317184.2); c.-1566TC[3] (NM_001317185.2); c.-1770TC[3] (NM_001317186.2); short protein forms S19fs.
Identifiers: ClinVar variation 955870 (VCV000955870.8), dbSNP rs1962455626, ClinGen allele CA2229916391.